The following is an entry in ClinVar:

NM_000342.4(SLC4A1):c.1726G>A (p.Val576Met)

Gene: SLC4A1 (solute carrier family 4 member 1 (Diego blood group); minus strand). Cytogenetic location: 17q21.31.
Variant type: single nucleotide variant.
Coding change: c.1726G>A on transcript NM_000342.4 (MANE Select); coding-DNA position 1726, G replaced by A.
Protein change: p.Val576Met; replaces valine 576 with methionine.
Molecular consequence: missense variant.
Genome position (GRCh38, 1-based): chr17:44,255,747, C>T on the plus strand (G>A on the coding strand, the complement: SLC4A1 is on the minus strand). VCF-style: chr17-44255747-C-T. GRCh37 (hg19) VCF-style: chr17-42333115-C-T.
Other names: short protein forms V576M.
Identifiers: ClinVar variation 3617965 (VCV003617965.2).
Genomic context (GRCh38, chr17:44,255,747, plus strand): 5'-AGGAGCTGTTCTTGAACTTGCGCAGCATCATGGCAAAGAAGAAGGTACCGGCCATGAGCA[C>T]AAGGGAGAGGAGGGCTGTGTTGGGCAGGGGGCCCTGAGGTTTGGGCACCATCAACACGTT-3'
Protein context (NP_000333.1, residues 566-586): PLPNTALLSL[Val576Met]LMAGTFFFAM

ClinVar aggregate classification (germline): Uncertain significance (1 of 4 stars; one submission).

gnomAD v4.1: 8 of 1,613,954 alleles (0.0005%); highest among the groups gnomAD compares: Non-Finnish European, 0.00068%; no homozygotes.

Submission:

Labcorp Genetics (formerly Invitae), Labcorp
Classification: Uncertain significance. Last evaluated: 2024-08-11. Review status: criteria provided, single submitter. Criteria: Invitae Variant Classification Sherloc (09022015). Collection method: clinical testing. Allele origin: germline.
Comment: This sequence change replaces valine, which is neutral and non-polar, with methionine, which is neutral and non-polar, at codon 576 of the SLC4A1 protein (p.Val576Met). This variant is present in population databases (no rsID available, gnomAD 0.007%). This variant has not been reported in the literature in individuals affected with SLC4A1-related conditions. Advanced modeling of protein sequence and biophysical properties (such as structural, functional, and spatial information, amino acid conservation, physicochemical variation, residue mobility, and thermodynamic stability) performed at Invitae indicates that this missense variant is not expected to disrupt SLC4A1 protein function with a negative predictive value of 80%. In summary, the available evidence is currently insufficient to determine the role of this variant in disease. Therefore, it has been classified as a Variant of Uncertain Significance.